The following is an entry in ClinVar:

ClinVar aggregate classification (germline): Pathogenic. Review status: criteria provided, single submitter (1 of 4 stars). 2 submissions from 2 submitters: Pathogenic (1). 1 of the submissions does not count toward it. Last evaluated 2017-09-01.

Conditions:
Tuberous sclerosis syndrome (TSC). Also called: Tuberous Sclerosis Complex; Tuberous sclerosis. Identifiers: Orphanet 805, MedGen C0041341, MONDO:0001734.
Tuberous sclerosis 1 (TSC1). Identifiers: Orphanet 805, MedGen C1854465, MONDO:0008612, OMIM 191100.

Submissions (2):

Baylor Genetics
Classification: Pathogenic for Tuberous sclerosis 1. Last evaluated: 2017-09-01. Review status: criteria provided, single submitter. Criteria: ACMG Guidelines, 2015. Collection method: clinical testing. Allele origin: germline. Inheritance: Autosomal dominant inheritance. Affected: yes.

Tuberous sclerosis database (TSC1)
No classification provided. Condition: TSC. Review status: no classification provided. Criteria: Tuberous Sclerosis Database Assertion Criteria 2015. Collection method: curation. Allele origin: germline. Affected: yes. Not counted in ClinVar's aggregate classification.

Literature cited by the submitters: PubMed 18772611 (cited by Baylor Genetics); PubMed 25326635 (cited by Baylor Genetics).

NM_000368.5(TSC1):c.2559_2562del (p.Leu853fs)

Gene: TSC1 (TSC complex subunit 1; minus strand). Cytogenetic location: 9q34.13.
Variant type: Deletion.
Coding change: c.2559_2562del on transcript NM_000368.5 (MANE Select); coding-DNA positions 2559 to 2562, 4 bases deleted (GGTT; older notation c.2559_2562delGGTT).
Protein change: p.Leu853fs; shifts the reading frame from leucine 853.
Molecular consequence: frameshift variant.
Genome position (GRCh38, 1-based): chr9:132,900,778-132,900,781, AACC deleted on the plus strand (GGTT on the coding strand, the reverse complement: TSC1 is on the minus strand); deleting any 4 consecutive bases within chr9:132,900,778-132,900,784 gives the same sequence; the c. name uses the placement nearest the transcript's 3' end. VCF-style (leftmost placement, unchanged base first): chr9-132900777-GAACC-G. GRCh37 (hg19) VCF-style: chr9-135776164-GAACC-G.
Other names: c.2559_2562delGGTT (NM_000368.4); c.2556_2559del, p.Leu852fs (NM_001162426.2); c.2406_2409del, p.Leu802fs (NM_001162427.2); c.2196_2199del, p.Leu732fs (NM_001362177.2); short protein forms L732fs, L802fs, L852fs.
Identifiers: ClinVar variation 48976 (VCV000048976.3), dbSNP rs118203711, ClinGen allele CA006647.
Genomic context (GRCh38, chr9:132,900,777, plus strand): 5'-TTGTGGTATCTGAGTGCTTGTTCTGCAGTTGTTCCAAATAGAGCTCGTTGACCTCCCCAA[GAACC>G]AACAGCTGCCTGTTCAAGAACTCCATCTGCTGCTGGACCGACTCACTGTTTGAGAGCTAA-3'